The following is an entry in ClinVar:

ClinVar aggregate classification (germline): Conflicting classifications of pathogenicity. Review status: criteria provided, conflicting classifications (1 of 4 stars). 2 submissions from 2 submitters: Uncertain significance (1); Likely benign (1). Last evaluated 2023-03-23.

Conditions:
Hereditary cancer-predisposing syndrome. Also called: Hereditary Cancer Syndrome; Hereditary neoplastic syndrome; Tumor predisposition; Neoplastic Syndromes, Hereditary. Identifiers: Orphanet 140162, MedGen C0027672, MeSH D009386, MONDO:0015356.
Hereditary breast ovarian cancer syndrome. Also called: Breast and ovarian cancer; Hereditary breast and ovarian cancer syndrome; Hereditary breast and ovarian cancer syndrome (HBOC); BRCA1- and BRCA2-Associated Hereditary Breast and Ovarian Cancer; Hereditary breast and ovarian cancer; Hereditary breast and/or ovarian cancer syndrome. Identifiers: Orphanet 145, MedGen C0677776, MeSH D061325, MONDO:0003582. Disease mechanism: loss of function.

Allele frequency attached by ClinVar (database versions not stated): gnomAD exomes below 0.00001.
gnomAD v4.1: 1 of 1,613,984 alleles (0.000062%); highest among the groups gnomAD compares: Non-Finnish European, 0.000085%; no homozygotes.

Submissions (2):

University of Washington Department of Laboratory Medicine, University of Washington
Classification: Likely benign for Hereditary cancer-predisposing syndrome. Last evaluated: 2023-03-23. Review status: criteria provided, single submitter. Criteria: Dines et al. (Genet Med. 2020). Collection method: curation. Allele origin: germline.
Comment: Missense variant in a coldspot region where missense variants are very unlikely to be pathogenic (PMID:31911673).

BRCA2 exon 11 coldspot. Reclassification based on statistical prior probability.

Labcorp Genetics (formerly Invitae), Labcorp
Classification: Uncertain significance for Hereditary breast ovarian cancer syndrome. Last evaluated: 2019-11-27. Review status: criteria provided, single submitter. Criteria: Invitae Variant Classification Sherloc (09022015). Collection method: clinical testing. Allele origin: germline.
Comment: In summary, the available evidence is currently insufficient to determine the role of this variant in disease. Therefore, it has been classified as a Variant of Uncertain Significance. Algorithms developed to predict the effect of missense changes on protein structure and function are either unavailable or do not agree on the potential impact of this missense change (SIFT: "Deleterious"; PolyPhen-2: "Possibly Damaging"; Align-GVGD: "Class C15"). This variant has not been reported in the literature in individuals with BRCA2-related conditions. This variant is not present in population databases (ExAC no frequency). This sequence change replaces phenylalanine with leucine at codon 2000 of the BRCA2 protein (p.Phe2000Leu). The phenylalanine residue is highly conserved and there is a small physicochemical difference between phenylalanine and leucine.

NM_000059.4(BRCA2):c.5998T>C (p.Phe2000Leu)

Gene: BRCA2 (BRCA2 DNA repair associated; plus strand). Cytogenetic location: 13q13.1.
Variant type: single nucleotide variant.
Coding change: c.5998T>C on transcript NM_000059.4 (MANE Select); coding-DNA position 5998, T replaced by C.
Protein change: p.Phe2000Leu; replaces phenylalanine 2000 with leucine.
Molecular consequence: missense variant.
Genome position (GRCh38, 1-based): chr13:32,340,353, T>C. VCF-style: chr13-32340353-T-C. GRCh37 (hg19) VCF-style: chr13-32914490-T-C.
Other names: short protein forms F2000L.
Identifiers: ClinVar variation 843091 (VCV000843091.11), dbSNP rs730881541, ClinGen allele CA387787670.